The following is an entry in ClinVar:

ClinVar aggregate classification (germline): Uncertain significance (1 of 4 stars; one submission).

Conditions:
Mucopolysaccharidosis type 7 (MPS7). Also called: MPS VII; BETA-GLUCURONIDASE DEFICIENCY; GUSB DEFICIENCY; SLY SYNDROME. Identifiers: Orphanet 584, MedGen C0085132, MONDO:0009662, OMIM 253220.

Submission:

Labcorp Genetics (formerly Invitae), Labcorp
Classification: Uncertain significance for Mucopolysaccharidosis type 7. Last evaluated: 2025-02-10. Review status: criteria provided, single submitter. Criteria: Invitae Variant Classification Sherloc (09022015). Collection method: clinical testing. Allele origin: germline.
Comment: This sequence change replaces glutamine, which is neutral and polar, with arginine, which is basic and polar, at codon 568 of the GUSB protein (p.Gln568Arg). This variant is not present in population databases (gnomAD no frequency). This variant has not been reported in the literature in individuals affected with GUSB-related conditions. ClinVar contains an entry for this variant (Variation ID: 2087304). Invitae Evidence Modeling of protein sequence and biophysical properties (such as structural, functional, and spatial information, amino acid conservation, physicochemical variation, residue mobility, and thermodynamic stability) indicates that this missense variant is not expected to disrupt GUSB protein function with a negative predictive value of 80%. In summary, the available evidence is currently insufficient to determine the role of this variant in disease. Therefore, it has been classified as a Variant of Uncertain Significance.

NM_000181.4(GUSB):c.1703A>G (p.Gln568Arg)

Gene: GUSB (glucuronidase beta; minus strand). Cytogenetic location: 7q11.21.
Variant type: single nucleotide variant.
Coding change: c.1703A>G on transcript NM_000181.4 (MANE Select); coding-DNA position 1703, A replaced by G.
Protein change: p.Gln568Arg; replaces glutamine 568 with arginine.
Molecular consequence: missense variant. On other transcripts: non-coding transcript variant (1).
Genome position (GRCh38, 1-based): chr7:65,964,409, T>C on the plus strand (A>G on the coding strand, the complement: GUSB is on the minus strand). VCF-style: chr7-65964409-T-C. GRCh37 (hg19) VCF-style: chr7-65429396-T-C.
Other names: c.1265A>G, p.Gln422Arg (NM_001284290.2); c.1133A>G, p.Gln378Arg (NM_001293104.2); c.1046A>G, p.Gln349Arg (NM_001293105.2); short protein forms Q349R, Q568R, Q378R, Q422R.
Identifiers: ClinVar variation 2087304 (VCV002087304.4), dbSNP rs2484748996, ClinGen allele CA367638927.